The following is an entry in ClinVar:

ClinVar aggregate classification (germline): Uncertain significance. Review status: criteria provided, multiple submitters, no conflicts (2 of 4 stars). 2 submissions from 2 submitters: Uncertain significance (2). Last evaluated 2025-01-04.

Conditions:
Inborn genetic diseases. Identifiers: MedGen C0950123, MeSH D030342.

Allele frequency attached by ClinVar (database versions not stated): gnomAD 0.00001; gnomAD exomes 0.00001; TOPMed 0.00001; ExAC 0.00005.

Submissions (2):

Ambry Genetics
Classification: Uncertain significance for Inborn genetic diseases. Last evaluated: 2025-01-04. Review status: criteria provided, single submitter. Criteria: Ambry Variant Classification Scheme 2023. Collection method: clinical testing. Allele origin: germline.

Labcorp Genetics (formerly Invitae), Labcorp
Classification: Uncertain significance. Last evaluated: 2022-02-18. Review status: criteria provided, single submitter. Criteria: Invitae Variant Classification Sherloc (09022015). Collection method: clinical testing. Allele origin: germline.
Comment: In summary, the available evidence is currently insufficient to determine the role of this variant in disease. Therefore, it has been classified as a Variant of Uncertain Significance. Algorithms developed to predict the effect of missense changes on protein structure and function output the following: SIFT: "Tolerated"; PolyPhen-2: "Benign"; Align-GVGD: "Class C0". The threonine amino acid residue is found in multiple mammalian species, which suggests that this missense change does not adversely affect protein function. This variant has not been reported in the literature in individuals affected with APC2-related conditions. The frequency data for this variant in the population databases is considered unreliable, as metrics indicate poor data quality at this position in the gnomAD database. This sequence change replaces alanine, which is neutral and non-polar, with threonine, which is neutral and polar, at codon 1103 of the APC2 protein (p.Ala1103Thr).

NM_005883.3(APC2):c.3307G>A (p.Ala1103Thr)

Gene: APC2 (APC regulator of WNT signaling pathway 2; plus strand). Cytogenetic location: 19p13.3.
Variant type: single nucleotide variant.
Coding change: c.3307G>A on transcript NM_005883.3 (MANE Select); coding-DNA position 3307, G replaced by A.
Protein change: p.Ala1103Thr; replaces alanine 1103 with threonine.
Molecular consequence: missense variant.
Genome position (GRCh38, 1-based): chr19:1,466,608, G>A. VCF-style: chr19-1466608-G-A. GRCh37 (hg19) VCF-style: chr19-1466607-G-A.
Other names: c.3304G>A, p.Ala1102Thr (NM_001351273.1); c.3307G>A (NM_005883.2); short protein forms A1103T, A1102T.
Identifiers: ClinVar variation 1929601 (VCV001929601.5), dbSNP rs752289340, ClinGen allele CA9045671.